The following is an entry in ClinVar:

ClinVar aggregate classification (germline): Benign/Likely benign. Review status: criteria provided, multiple submitters, no conflicts (2 of 4 stars). 7 submissions from 7 submitters: Benign (4); Likely benign (3). Last evaluated 2026-09-01.

Conditions:
Floating-Harbor syndrome (FLHS). Also called: SRCAP-Related Floating-Harbor Syndrome; Short stature with delayed bone age, expressive language delay, a triangular face with a prominent nose and deep-set eyes; Pelletier-Leisti syndrome. Identifiers: Orphanet 2044, MedGen C0729582, MONDO:0007621, OMIM 136140.

Allele frequency attached by ClinVar (database versions not stated): 1000 Genomes Project 30x 0.00219; 1000 Genomes Project 0.00220; TOPMed 0.00317; ESP Exome Variant Server 0.00369; gnomAD 0.00392 and 0.00402; gnomAD exomes 0.00396 and 0.00570; ExAC 0.00399.
gnomAD v4.1: 8,876 of 1,614,090 alleles (0.55%); highest among the groups gnomAD compares: Non-Finnish European, 0.65%; 41 homozygotes.

Submissions (7):

CeGaT Center for Human Genetics Tuebingen
Classification: Likely benign. Last evaluated: 2026-09-01. Review status: criteria provided, single submitter. Criteria: CeGaT Center For Human Genetics Tuebingen Variant Classification Criteria Version 2. Collection method: clinical testing. Allele origin: germline. Affected: yes. Observed: 20 variant alleles.
Comment: SRCAP: BP4, BS2

Labcorp Genetics (formerly Invitae), Labcorp
Classification: Benign. Last evaluated: 2026-01-23. Review status: criteria provided, single submitter. Criteria: Invitae Variant Classification Sherloc (09022015). Collection method: clinical testing. Allele origin: germline.

Mendelics
Classification: Likely benign for Floating-Harbor syndrome. Last evaluated: 2019-05-28. Review status: criteria provided, single submitter. Criteria: Mendelics Assertion Criteria 2017. Collection method: clinical testing. Allele origin: unknown.

Institute for Genomic Medicine (IGM) Clinical Laboratory, Nationwide Children's Hospital
Classification: Benign. Last evaluated: 2017-04-19. Review status: criteria provided, single submitter. Criteria: ACMG Guidelines, 2015. Collection method: clinical testing. Allele origin: germline.
Comment: BS1,BS2,BP6; This alteration has an allele frequency that is greater than expected for the associated disease, was seen in a healthy adult where full penetrance of the disorder is expected at an early age, and was reported as a benign/likely benign alteration by a reputable source (ClinVar or other correspondence from a clinical testing laboratory).

Eurofins Ntd Llc (ga)
Classification: Benign. Last evaluated: 2015-11-19. Review status: criteria provided, single submitter. Criteria: EGL Classification Definitions 2015. Collection method: clinical testing. Allele origin: germline. Observed: 4 variant alleles, 4 heterozygotes.

Breakthrough Genomics
Classification: Likely benign. Review status: criteria provided, single submitter. Criteria: ACMG Guidelines, 2015. Collection method: not provided. Allele origin: germline. Inheritance: Autosomal dominant inheritance. Affected: yes.

PreventionGenetics, part of Exact Sciences
Classification: Benign. Review status: criteria provided, single submitter. Criteria: ACMG Guidelines, 2015. Collection method: clinical testing. Allele origin: germline.

NM_006662.3(SRCAP):c.5705A>G (p.Glu1902Gly)

Gene: SRCAP (Snf2 related CREBBP activator protein; plus strand). Cytogenetic location: 16p11.2.
Variant type: single nucleotide variant.
Coding change: c.5705A>G on transcript NM_006662.3 (MANE Select); coding-DNA position 5705, A replaced by G.
Protein change: p.Glu1902Gly; replaces glutamic acid 1902 with glycine.
Molecular consequence: missense variant.
Genome position (GRCh38, 1-based): chr16:30,729,012, A>G. VCF-style: chr16-30729012-A-G. GRCh37 (hg19) VCF-style: chr16-30740333-A-G.
Other names: short protein forms E1902G.
Identifiers: ClinVar variation 260020 (VCV000260020.46), dbSNP rs117480926, ClinGen allele CA8012069.